The following is an entry in ClinVar:

ClinVar aggregate classification (germline): Pathogenic. Review status: criteria provided, single submitter (1 of 4 stars). 2 submissions from 2 submitters: Pathogenic (1). 1 of the submissions does not count toward it. Last evaluated 2021-10-02.

Conditions:
Syndromic microphthalmia type 5 (MCOPS5). Also called: RETINAL DYSTROPHY, EARLY-ONSET, WITH PITUITARY DYSFUNCTION; RETINAL DYSTROPHY, EARLY-ONSET, WITHOUT PITUITARY DYSFUNCTION. Identifiers: Orphanet 178364, MedGen C1864690, MONDO:0012413, OMIM 610125.

Submissions (2):

3billion
Classification: Pathogenic for Syndromic microphthalmia type 5. Last evaluated: 2021-10-02. Review status: criteria provided, single submitter. Criteria: ACMG Guidelines, 2015. Collection method: clinical testing. Allele origin: unknown. Affected: yes. Observed: 1 heterozygote.
Comment: Stop-gained (nonsense): predicted to result in a loss or disruption of normal protein function through nonsense-mediated decay (NMD) or protein truncation. Multiple pathogenic variants are reported downstream of the variant (PVS1_VS). It is not observed in the gnomAD v2.1.1 dataset (PM2). The variant has been reported as pathogenic/likely pathogenic without evidence for the classification (ClinVar ID: VCV000009518.1). Therefore, this variant is classified as pathogenic according to the recommendation of ACMG/AMP guideline.

OMIM
Classification: Pathogenic for MICROPHTHALMIA, SYNDROMIC 5. Last evaluated: 2008-10-01. Review status: no assertion criteria provided. Collection method: literature only. Allele origin: germline. Not counted in ClinVar's aggregate classification.

Literature cited by the submitters: PubMed 15846561 (cited by OMIM); PubMed 18628516 (cited by OMIM).

NM_021728.4(OTX2):c.561T>A (p.Tyr187Ter)

Gene: OTX2 (orthodenticle homeobox 2; minus strand). Cytogenetic location: 14q22.3.
Variant type: single nucleotide variant.
Coding change: c.561T>A on transcript NM_021728.4 (MANE Select); coding-DNA position 561, T replaced by A.
Protein change: p.Tyr187Ter; replaces tyrosine 187 with a stop codon.
Molecular consequence: nonsense. On other transcripts: non-coding transcript variant (2).
Genome position (GRCh38, 1-based): chr14:56,802,068, A>T on the plus strand (T>A on the coding strand, the complement: OTX2 is on the minus strand). VCF-style: chr14-56802068-A-T. GRCh37 (hg19) VCF-style: chr14-57268786-A-T.
Other names: c.537T>A, p.Tyr179Ter (NM_001270523.2, NM_001270524.2, NM_172337.3); c.561T>A, p.Tyr187Ter (NM_001270525.2); short protein forms Y179*, Y187*.
Identifiers: ClinVar variation 9518 (VCV000009518.2), dbSNP rs104894465, ClinGen allele CA120503.